The following is an entry in ClinVar:

ClinVar aggregate classification (germline): Pathogenic/Likely pathogenic. Review status: criteria provided, multiple submitters, no conflicts (2 of 4 stars). 3 submissions from 3 submitters: Pathogenic (2); Likely pathogenic (1). Last evaluated 2025-07-24.

Conditions:
Tyrosinemia type II (TYRSN2). Also called: KERATOSIS PALMOPLANTARIS WITH CORNEAL DYSTROPHY; OREGON TYPE TYROSINEMIA; TAT DEFICIENCY; TYROSINE AMINOTRANSFERASE DEFICIENCY; TYROSINE TRANSAMINASE DEFICIENCY. Identifiers: Orphanet 28378, MedGen C0268487, MONDO:0010160, OMIM 276600.

Allele frequency attached by ClinVar (database versions not stated): gnomAD exomes below 0.00001 and 0.00001; ExAC 0.00001.
gnomAD v4.1: 7 of 1,614,022 alleles (0.00043%); highest among the groups gnomAD compares: Non-Finnish European, 0.00051%; no homozygotes.

Submissions (3):

Labcorp Genetics (formerly Invitae), Labcorp
Classification: Pathogenic for Tyrosinemia type II. Last evaluated: 2025-07-24. Review status: criteria provided, single submitter. Criteria: Invitae Variant Classification Sherloc (09022015). Collection method: clinical testing. Allele origin: germline.
Comment: This sequence change creates a premature translational stop signal (p.Arg297*) in the TAT gene. It is expected to result in an absent or disrupted protein product. Loss-of-function variants in TAT are known to be pathogenic (PMID: 9544843). This variant is present in population databases (rs758491525, gnomAD 0.002%). This premature translational stop signal has been observed in individual(s) with tyrosinemia type II (PMID: 28255985). ClinVar contains an entry for this variant (Variation ID: 620093). Algorithms developed to predict the effect of sequence changes on RNA splicing suggest that this variant may disrupt the consensus splice site. For these reasons, this variant has been classified as Pathogenic.

Fulgent Genetics
Classification: Likely pathogenic for Tyrosinemia type II. Last evaluated: 2022-05-27. Review status: criteria provided, single submitter. Criteria: ACMG Guidelines, 2015. Collection method: clinical testing. Allele origin: unknown.

GeneDx
Classification: Pathogenic. Last evaluated: 2018-08-15. Review status: criteria provided, single submitter. Criteria: GeneDx Variant Classification (06012015). Collection method: clinical testing. Allele origin: germline. Affected: yes.
Comment: The R297X nonsense variant in the TAT gene has been reported previously in association with tyrosinemia type II in two unrelated patients from Lebanon who were homozygous for R297X (PeÃ±a-Quintana et al., 2017). The R297X variant is not observed at a significant frequency in large population cohorts (Lek et al., 2016). This variant is predicted to cause loss of normal protein function either through protein truncation or nonsense-mediated mRNA decay. In summary, we interpret R297X to be a pathogenic variant.

Literature cited by the submitters: PubMed 9544843 (cited by Labcorp Genetics (formerly Invitae), Labcorp); PubMed 28255985 (cited by Labcorp Genetics (formerly Invitae), Labcorp).

NM_000353.3(TAT):c.889C>T (p.Arg297Ter)

Genes: TAT (tyrosine aminotransferase; minus strand), TAT-AS1 (TAT antisense RNA 1; plus strand). Cytogenetic location: 16q22.2.
Variant type: single nucleotide variant.
Coding change: c.889C>T on transcript NM_000353.3 (MANE Select); coding-DNA position 889, C replaced by T.
Protein change: p.Arg297Ter; replaces arginine 297 with a stop codon.
Molecular consequence: nonsense.
Genome position (GRCh38, 1-based): chr16:71,570,702, G>A on the plus strand (C>T on the coding strand, the complement: TAT is on the minus strand). VCF-style: chr16-71570702-G-A. GRCh37 (hg19) VCF-style: chr16-71604605-G-A.
Other names: short protein forms R297*.
Identifiers: ClinVar variation 620093 (VCV000620093.7), dbSNP rs758491525, ClinGen allele CA8153872.